The following is an entry in ClinVar:

ClinVar aggregate classification (germline): Likely benign (0 of 4 stars; one submission).

Conditions:
NLRP2-related disorder. Also called: NLRP2-related condition.

Allele frequency attached by ClinVar (database versions not stated): gnomAD 0.00001; gnomAD exomes 0.00001; TOPMed 0.00001; ExAC 0.00005.
gnomAD v4.1: 48 of 1,614,036 alleles (0.003%); highest among the groups gnomAD compares: East Asian, 0.022%; no homozygotes.

Submission:

PreventionGenetics, part of Exact Sciences
Classification: Likely benign for NLRP2-related condition. Last evaluated: 2019-11-26. Review status: no assertion criteria provided. Collection method: clinical testing. Allele origin: germline.
Comment: This variant is classified as likely benign based on ACMG/AMP sequence variant interpretation guidelines (Richards et al. 2015 PMID: 25741868, with internal and published modifications).

NM_017852.5(NLRP2):c.952C>T (p.Leu318=)

Gene: NLRP2 (NLR family pyrin domain containing 2; plus strand). Cytogenetic location: 19q13.42.
Variant type: single nucleotide variant.
Coding change: c.952C>T on transcript NM_017852.5 (MANE Select); coding-DNA position 952, C replaced by T.
Protein change: p.Leu318=; no amino-acid change (leucine 318 retained).
Molecular consequence: synonymous variant. On other transcripts: non-coding transcript variant (1).
Genome position (GRCh38, 1-based): chr19:54,982,650, C>T. VCF-style: chr19-54982650-C-T. GRCh37 (hg19) VCF-style: chr19-55494018-C-T.
Other names: c.952C>T, p.Leu318= (NM_001174081.3); c.886C>T, p.Leu296= (NM_001174082.3); c.883C>T, p.Leu295= (NM_001174083.2); c.943C>T, p.Leu315= (NM_001348003.2).
Identifiers: ClinVar variation 3049148 (VCV003049148.2), dbSNP rs371910953, ClinGen allele CA310103397.
Genomic context (GRCh38, chr19:54,982,650, plus strand): 5'-GGGGCGCTGATCGAGGACATCTGCGGGGACTGGGAGAAGAAGAAGCCGGTGCCCGTCCTC[C>T]TGGGGAGTTTGCTGAACAGGGTGATGTTACCCAAGGCCGCCCTGCTGGTCACCACGCGGC-3'
Protein context (NP_060322.1, residues 308-328): WEKKKPVPVL[Leu318=]GSLLNRVMLP